The following is an entry in ClinVar:

NM_053274.3(GLMN):c.980_984del

Gene: GLMN (glomulin, FKBP associated protein; minus strand). Cytogenetic location: 1p22.1.
Variant type: Microsatellite.
Coding change: c.980_984del on transcript NM_053274.3 (MANE Select); coding-DNA positions 980 to 984, 5 bases deleted (CAGAA; older notation c.980_984delCAGAA).
Molecular consequence: splice acceptor variant.
Genome position (GRCh38, 1-based): chr1:92,268,129-92,268,133, TTCTG deleted on the plus strand (CAGAA on the coding strand, the reverse complement: GLMN is on the minus strand); deleting any 5 consecutive bases within chr1:92,268,129-92,268,138 gives the same sequence; the c. name uses the placement nearest the transcript's 3' end. VCF-style (leftmost placement, unchanged base first): chr1-92268128-CTTCTG-C. GRCh37 (hg19) VCF-style: chr1-92733685-CTTCTG-C.
Identifiers: ClinVar variation 7805 (VCV000007805.2), ClinGen allele CA2580611463.

ClinVar aggregate classification (germline): Likely pathogenic. Review status: criteria provided, single submitter (1 of 4 stars). 2 submissions from 2 submitters: Likely pathogenic (1). 1 of the submissions does not count toward it. Last evaluated 2026-07-30.

Conditions:
Glomuvenous malformation. Also called: VENOUS MALFORMATIONS WITH GLOMUS CELLS; GLOMANGIOMAS, MULTIPLE; GLOMUS TUMORS, MULTIPLE; Familial glomangioma. Identifiers: Orphanet 83454, MedGen C1841984, MONDO:0007672, OMIM 138000.

Submissions (2):

Institute of Human Genetics, Heidelberg University
Classification: Likely pathogenic for Glomuvenous malformation. Last evaluated: 2026-07-30. Review status: criteria provided, single submitter. Criteria: ACMG Guidelines, 2015. Collection method: clinical testing. Allele origin: paternal. Affected: yes. Observed: 2 variant alleles.
Comment: PVS1_vs; PM2_supp

OMIM
Classification: Pathogenic for GLOMUVENOUS MALFORMATIONS. Last evaluated: 2002-04-01. Review status: no assertion criteria provided. Collection method: literature only. Allele origin: germline. Not counted in ClinVar's aggregate classification.

Literature cited by the submitters: PubMed 11845407 (cited by OMIM).